The following is an entry in ClinVar:

ClinVar aggregate classification (germline): Uncertain significance. Review status: criteria provided, multiple submitters, no conflicts (2 of 4 stars). 2 submissions from 2 submitters: Uncertain significance (2). Last evaluated 2024-01-23.

Conditions:
Donnai-Barrow syndrome. Also called: DBS/FOAR SYNDROME; FACIOOCULOACOUSTICORENAL SYNDROME. Identifiers: Orphanet 2143, MedGen C1857277, MONDO:0009104, OMIM 222448.

Allele frequency attached by ClinVar (database versions not stated): gnomAD exomes below 0.00001; TOPMed below 0.00001.
gnomAD v4.1: 1 of 1,614,192 alleles (0.000062%); highest among the groups gnomAD compares: Non-Finnish European, 0.000085%; no homozygotes.

Submissions (2):

Fulgent Genetics
Classification: Uncertain significance for Donnai-Barrow syndrome. Last evaluated: 2024-01-23. Review status: criteria provided, single submitter. Criteria: ACMG Guidelines, 2015. Collection method: clinical testing. Allele origin: germline.

Labcorp Genetics (formerly Invitae), Labcorp
Classification: Uncertain significance. Last evaluated: 2022-07-12. Review status: criteria provided, single submitter. Criteria: Invitae Variant Classification Sherloc (09022015). Collection method: clinical testing. Allele origin: germline.
Comment: This sequence change replaces isoleucine, which is neutral and non-polar, with valine, which is neutral and non-polar, at codon 3693 of the LRP2 protein (p.Ile3693Val). This variant is not present in population databases (gnomAD no frequency). This variant has not been reported in the literature in individuals affected with LRP2-related conditions. ClinVar contains an entry for this variant (Variation ID: 1395529). Advanced modeling of protein sequence and biophysical properties (such as structural, functional, and spatial information, amino acid conservation, physicochemical variation, residue mobility, and thermodynamic stability) performed at Invitae indicates that this missense variant is not expected to disrupt LRP2 protein function. In summary, the available evidence is currently insufficient to determine the role of this variant in disease. Therefore, it has been classified as a Variant of Uncertain Significance.

NM_004525.3(LRP2):c.11077A>G (p.Ile3693Val)

Gene: LRP2 (LDL receptor related protein 2; minus strand). Cytogenetic location: 2q31.1.
Variant type: single nucleotide variant.
Coding change: c.11077A>G on transcript NM_004525.3 (MANE Select); coding-DNA position 11077, A replaced by G.
Protein change: p.Ile3693Val; replaces isoleucine 3693 with valine.
Molecular consequence: missense variant.
Genome position (GRCh38, 1-based): chr2:169,173,162, T>C on the plus strand (A>G on the coding strand, the complement: LRP2 is on the minus strand). VCF-style: chr2-169173162-T-C. GRCh37 (hg19) VCF-style: chr2-170029672-T-C.
Other names: short protein forms I3693V.
Identifiers: ClinVar variation 1395529 (VCV001395529.6), dbSNP rs1687064477, ClinGen allele CA349144063.